The following is an entry in ClinVar:

ClinVar aggregate classification (germline): Uncertain significance (1 of 4 stars; one submission).

Conditions:
Hereditary spastic paraplegia 48. Also called: Spastic paraplegia 48; SPASTIC PARAPLEGIA 48, AUTOSOMAL RECESSIVE. Identifiers: Orphanet 306511, MedGen C3150901, MONDO:0013342, OMIM 613647.

Allele frequency attached by ClinVar (database versions not stated): gnomAD exomes below 0.00001; TOPMed below 0.00001; ExAC 0.00002.
gnomAD v4.1: 4 of 1,608,982 alleles (0.00025%); highest among the groups gnomAD compares: Admixed American, 0.0017%; no homozygotes.

Submission:

Labcorp Genetics (formerly Invitae), Labcorp
Classification: Uncertain significance for Hereditary spastic paraplegia 48. Last evaluated: 2022-03-19. Review status: criteria provided, single submitter. Criteria: Invitae Variant Classification Sherloc (09022015). Collection method: clinical testing. Allele origin: germline.
Comment: This sequence change replaces aspartic acid, which is acidic and polar, with valine, which is neutral and non-polar, at codon 67 of the AP5Z1 protein (p.Asp67Val). In summary, the available evidence is currently insufficient to determine the role of this variant in disease. Therefore, it has been classified as a Variant of Uncertain Significance. Algorithms developed to predict the effect of missense changes on protein structure and function are either unavailable or do not agree on the potential impact of this missense change (SIFT: "Deleterious"; PolyPhen-2: "Benign"; Align-GVGD: "Class C0"). This variant has not been reported in the literature in individuals affected with AP5Z1-related conditions. This variant is present in population databases (rs757047764, gnomAD 0.005%).

NM_014855.3(AP5Z1):c.200A>T (p.Asp67Val)

Gene: AP5Z1 (adaptor related protein complex 5 subunit zeta 1; plus strand). Cytogenetic location: 7p22.1.
Variant type: single nucleotide variant.
Coding change: c.200A>T on transcript NM_014855.3 (MANE Select); coding-DNA position 200, A replaced by T.
Protein change: p.Asp67Val; replaces aspartic acid 67 with valine.
Molecular consequence: missense variant. On other transcripts: non-coding transcript variant (1), intron variant (1).
Genome position (GRCh38, 1-based): chr7:4,781,588, A>T. VCF-style: chr7-4781588-A-T. GRCh37 (hg19) VCF-style: chr7-4821219-A-T.
Other names: c.-103+276A>T (NM_001364858.1); short protein forms D67V.
Identifiers: ClinVar variation 1982107 (VCV001982107.4), dbSNP rs757047764, ClinGen allele CA4137110.